The following is an entry in ClinVar:

NM_024422.6(DSC2):c.2263G>A (p.Gly755Ser)

Gene: DSC2 (desmocollin 2; minus strand). Cytogenetic location: 18q12.1.
Variant type: single nucleotide variant.
Coding change: c.2263G>A on transcript NM_024422.6 (MANE Select); coding-DNA position 2263, G replaced by A.
Protein change: p.Gly755Ser; replaces glycine 755 with serine.
Molecular consequence: missense variant.
Genome position (GRCh38, 1-based): chr18:31,069,139, C>T on the plus strand (G>A on the coding strand, the complement: DSC2 is on the minus strand). VCF-style: chr18-31069139-C-T. GRCh37 (hg19) VCF-style: chr18-28649105-C-T.
Other names: c.2263G>A, p.Gly755Ser (NM_004949.5); short protein forms G755S.
Identifiers: ClinVar variation 163181 (VCV000163181.7), dbSNP rs727502979, ClinGen allele CA022650.
Genomic context (GRCh38, chr18:31,069,139, plus strand): 5'-CTGATCCCACGGTGCCACAAACTCCCTGAGCAGAAGCGCCCACAGTTTGGGTTGTGAAGC[C>T]ATTCGCAGAATACTGAAATGAAAACAATTTGCATTAGGGATAATACAGAGAGGAACACAA-3'
Protein context (NP_077740.1, residues 745-765): PGDDKVYSAN[Gly755Ser]FTTQTVGASA

ClinVar aggregate classification (germline): Uncertain significance. Review status: criteria provided, multiple submitters, no conflicts (2 of 4 stars). 4 submissions from 4 submitters: Uncertain significance (4). Last evaluated 2025-05-05.

Conditions:
Cardiovascular phenotype. Identifiers: MedGen CN230736.

Submissions (4):

Ambry Genetics
Classification: Uncertain significance for Cardiovascular phenotype. Last evaluated: 2025-05-05. Review status: criteria provided, single submitter. Criteria: Ambry Variant Classification Scheme 2023. Collection method: clinical testing. Allele origin: germline.
Comment: The p.G755S variant (also known as c.2263G>A), located in coding exon 15 of the DSC2 gene, results from a G to A substitution at nucleotide position 2263. The glycine at codon 755 is replaced by serine, an amino acid with similar properties. This amino acid position is conserved. In addition, this alteration is predicted to be tolerated by in silico analysis. Based on the available evidence, the clinical significance of this variant remains unclear.

GeneDx
Classification: Uncertain significance. Last evaluated: 2023-02-03. Review status: criteria provided, single submitter. Criteria: GeneDx Variant Classification Process June 2021. Collection method: clinical testing. Allele origin: germline. Affected: yes.
Comment: Not observed at significant frequency in large population cohorts (gnomAD); In silico analysis supports that this missense variant does not alter protein structure/function; Has not been previously published as pathogenic or benign to our knowledge

Laboratory for Molecular Medicine, Mass General Brigham Personalized Medicine
Classification: Uncertain significance. Last evaluated: 2014-10-28. Review status: criteria provided, single submitter. Criteria: LMM Criteria. Collection method: clinical testing. Allele origin: germline. Observed: 1 variant allele.
Comment: The p.Gly755Ser variant in DSC2 has not been previously reported in individuals with cardiomyopathy or in large population studies. Computational prediction too ls and conservation analysis suggest that this variant may not impact the protei n, though this information is not predictive enough to rule out pathogenicity. I n summary, the clinical significance of the p.Gly755Ser variant is uncertain.

Stanford Center for Inherited Cardiovascular Disease, Stanford University
Classification: Uncertain significance. Last evaluated: 2013-11-15. Review status: criteria provided, single submitter. Criteria: ACMG Guidelines, 2015. Collection method: provider interpretation. Allele origin: germline.